The following is an entry in ClinVar:

NM_001384732.1(CPLANE1):c.5733T>G (p.Tyr1911Ter)

Gene: CPLANE1 (ciliogenesis and planar polarity effector complex subunit 1; minus strand). Cytogenetic location: 5p13.2.
Variant type: single nucleotide variant.
Coding change: c.5733T>G on transcript NM_001384732.1 (MANE Select); coding-DNA position 5733, T replaced by G.
Protein change: p.Tyr1911Ter; replaces tyrosine 1911 with a stop codon.
Molecular consequence: nonsense.
Genome position (GRCh38, 1-based): chr5:37,180,021, A>C on the plus strand (T>G on the coding strand, the complement: CPLANE1 is on the minus strand). VCF-style: chr5-37180021-A-C. GRCh37 (hg19) VCF-style: chr5-37180123-A-C.
Other names: c.5733T>G, p.Tyr1911Ter (NM_023073.4); short protein forms Y1911*.
Identifiers: ClinVar variation 427893 (VCV000427893.5), dbSNP rs770770257, ClinGen allele CA3238472.

ClinVar aggregate classification (germline): Pathogenic/Likely pathogenic. Review status: criteria provided, multiple submitters, no conflicts (2 of 4 stars). 3 submissions from 3 submitters: Pathogenic (2); Likely pathogenic (1). Last evaluated 2024-07-24.

Conditions:
Joubert syndrome 17 (JBTS17). Identifiers: Orphanet 475, MedGen C3553264, MONDO:0013824, OMIM 614615.
C5ORF42 & CPLANE1-related disorders.

Allele frequency attached by ClinVar (database versions not stated): gnomAD exomes 0.00001; ExAC 0.00002; gnomAD 0.00003; TOPMed 0.00003.
gnomAD v4.1: 15 of 1,542,360 alleles (0.00097%); highest among the groups gnomAD compares: African/African-American, 0.0014%; no homozygotes.

Submissions (3):

Labcorp Genetics (formerly Invitae), Labcorp
Classification: Pathogenic. Last evaluated: 2024-07-24. Review status: criteria provided, single submitter. Criteria: Invitae Variant Classification Sherloc (09022015). Collection method: clinical testing. Allele origin: germline.
Comment: This sequence change creates a premature translational stop signal (p.Tyr1911*) in the CPLANE1 gene. It is expected to result in an absent or disrupted protein product. Loss-of-function variants in CPLANE1 are known to be pathogenic (PMID: 24178751, 26092869). This variant is present in population databases (rs770770257, gnomAD 0.005%). This premature translational stop signal has been observed in individual(s) with clinical features of Joubert syndrome (PMID: 25407461, 29321670). ClinVar contains an entry for this variant (Variation ID: 427893). Algorithms developed to predict the effect of sequence changes on RNA splicing suggest that this variant may disrupt the consensus splice site. For these reasons, this variant has been classified as Pathogenic.

Blueprint Genetics
Classification: Likely pathogenic for C5ORF42 & CPLANE1-related disorders. Last evaluated: 2022-04-02. Review status: criteria provided, single submitter. Criteria: ACMG Guidelines, 2015. Collection method: clinical testing. Allele origin: germline. Affected: yes. Observed: 3 variant alleles.

Institute of Medical Genetics, University of Zurich
Classification: Pathogenic for Joubert syndrome 17. Last evaluated: 2017-05-18. Review status: criteria provided, single submitter. Criteria: ACMG Guidelines, 2015. Collection method: clinical testing. Allele origin: inherited. Affected: yes. Observed: 1 compound heterozygote.

Literature cited by the submitters: PubMed 24178751 (cited by Labcorp Genetics (formerly Invitae), Labcorp); PubMed 26092869 (cited by Labcorp Genetics (formerly Invitae), Labcorp); PubMed 25407461 (cited by Labcorp Genetics (formerly Invitae), Labcorp); PubMed 29321670 (cited by Labcorp Genetics (formerly Invitae), Labcorp and Institute of Medical Genetics, University of Zurich).